The following is an entry in ClinVar:

ClinVar aggregate classification (germline): Likely benign. Review status: criteria provided, multiple submitters, no conflicts (2 of 4 stars). 9 submissions from 9 submitters: Likely benign (9). Last evaluated 2025-10-06.

Conditions:
ACTC1-related disorder. Also called: ACTC1-related condition.
Cardiovascular phenotype. Identifiers: MedGen CN230736.
Hypertrophic cardiomyopathy 11. Also called: ACTC1-Related Familial Hypertrophic Cardiomyopathy. Identifiers: MedGen C2677506, MONDO:0012799, OMIM 612098.
Dilated cardiomyopathy 1R (CMD1R). Identifiers: Orphanet 154, Orphanet 54260, MedGen C3150681, MONDO:0013261, OMIM 613424.
Atrial septal defect 5 (ASD5). Identifiers: Orphanet 1478, MedGen C2748552, MONDO:0013011, OMIM 612794.
Cardiomyopathy (CMYO). Also called: Cardiomyopathies. Identifiers: Orphanet 167848, MedGen C0878544, MONDO:0004994, HP:0001638. Inheritance: Various modes of inheritance.
Hypertrophic cardiomyopathy. Also called: HYPERTROPHIC MYOCARDIOPATHY. Identifiers: Orphanet 217569, MedGen C0007194, MeSH D002312, MONDO:0005045, HP:0001639.

Allele frequency attached by ClinVar (database versions not stated): ExAC 0.00003; TOPMed 0.00006; gnomAD 0.00007 and 0.00006; gnomAD exomes 0.00011 and 0.00004.

Submissions (9):

Labcorp Genetics (formerly Invitae), Labcorp
Classification: Likely benign for Dilated cardiomyopathy 1R; Hypertrophic cardiomyopathy 11; Atrial septal defect 5. Last evaluated: 2025-10-06. Review status: criteria provided, single submitter. Criteria: Invitae Variant Classification Sherloc (09022015). Collection method: clinical testing. Allele origin: germline.

PreventionGenetics, part of Exact Sciences
Classification: Likely benign for ACTC1-related condition. Last evaluated: 2025-05-29. Review status: criteria provided, single submitter. Criteria: ACMG Guidelines, 2015. Collection method: clinical testing. Allele origin: germline.
Comment: This variant is classified as likely benign based on ACMG/AMP sequence variant interpretation guidelines (Richards et al. 2015 PMID: 25741868, with internal and published modifications).

Women's Health and Genetics/Laboratory Corporation of America, LabCorp
Classification: Likely benign. Last evaluated: 2024-12-06. Review status: criteria provided, single submitter. Criteria: LabCorp Variant Classification Summary - May 2015. Collection method: clinical testing. Allele origin: germline.

All of Us Research Program, National Institutes of Health
Classification: Likely benign for Hypertrophic cardiomyopathy. Last evaluated: 2023-12-18. Review status: criteria provided, single submitter. Criteria: ACMG Guidelines, 2015. Collection method: clinical testing. Allele origin: germline. Inheritance: Autosomal dominant inheritance. Observed: 12 variant alleles, 12 heterozygotes.
Comment: This study involves interpretation of variants in research participants for the purpose of population health screening. Participant phenotype was not available at the time of variant classification. Additional details can be found in publication PMID: 35346344, PMCID: PMC8962531

GeneDx
Classification: Likely benign. Last evaluated: 2021-06-14. Review status: criteria provided, single submitter. Criteria: GeneDx Variant Classification Process June 2021. Collection method: clinical testing. Allele origin: germline. Affected: yes.

Ambry Genetics
Classification: Likely benign for Cardiovascular phenotype. Last evaluated: 2020-07-06. Review status: criteria provided, single submitter. Criteria: Ambry Variant Classification Scheme 2023. Collection method: clinical testing. Allele origin: germline.

Blueprint Genetics
Classification: Likely benign. Last evaluated: 2020-05-13. Review status: criteria provided, single submitter. Criteria: ACMG Guidelines, 2015. Collection method: clinical testing. Allele origin: germline.

Color Diagnostics, LLC DBA Color Health
Classification: Likely benign for Cardiomyopathy. Last evaluated: 2019-01-21. Review status: criteria provided, single submitter. Criteria: ACMG Guidelines, 2015. Collection method: clinical testing. Allele origin: germline.

Laboratory for Molecular Medicine, Mass General Brigham Personalized Medicine
Classification: Likely benign. Last evaluated: 2010-09-02. Review status: criteria provided, single submitter. Criteria: LMM Criteria. Collection method: clinical testing. Allele origin: germline. Observed: 1 variant allele.
Comment: This variant is not expected to have clinical significance because it does not a lter an amino acid residue and is not located near a splice junction. Therefore, it is unlikely that this variant is disease-causing.

NM_005159.5(ACTC1):c.465G>A (p.Leu155=)

Genes: ACTC1 (actin alpha cardiac muscle 1; minus strand), GJD2-DT (GJD2 divergent transcript; plus strand). Cytogenetic location: 15q14.
Variant type: single nucleotide variant.
Coding change: c.465G>A on transcript NM_005159.5 (MANE Select); coding-DNA position 465, G replaced by A.
Protein change: p.Leu155=; no amino-acid change (leucine 155 retained).
Molecular consequence: synonymous variant.
Genome position (GRCh38, 1-based): chr15:34,792,559, C>T on the plus strand (G>A on the coding strand, the complement: ACTC1 is on the minus strand). VCF-style: chr15-34792559-C-T. GRCh37 (hg19) VCF-style: chr15-35084760-C-T.
Identifiers: ClinVar variation 45179 (VCV000045179.24), dbSNP rs397517062, ClinGen allele CA019783.